The following is an entry in ClinVar:

ClinVar aggregate classification (germline): Pathogenic (1 of 4 stars; one submission).

Conditions:
Hereditary cancer-predisposing syndrome. Also called: Neoplastic Syndromes, Hereditary; Tumor predisposition; Hereditary Cancer Syndrome; Hereditary neoplastic syndrome. Identifiers: Orphanet 140162, MedGen C0027672, MeSH D009386, MONDO:0015356.

Submission:

Ambry Genetics
Classification: Pathogenic for Hereditary cancer-predisposing syndrome. Last evaluated: 2025-11-18. Review status: criteria provided, single submitter. Criteria: Ambry Variant Classification Scheme 2023. Collection method: clinical testing. Allele origin: germline.
Comment: The c.2851dupC pathogenic mutation, located in coding exon 4 of the MSH6 gene, results from a duplication of C at nucleotide position 2851, causing a translational frameshift with a predicted alternate stop codon (p.L951Pfs*15). This variant is considered to be rare based on population cohorts in the Genome Aggregation Database (gnomAD). This alteration is expected to result in loss of function by premature protein truncation or nonsense-mediated mRNA decay. As such, this alteration is interpreted as a disease-causing mutation.

NM_000179.3(MSH6):c.2851dup (p.Leu951fs)

Gene: MSH6 (mutS homolog 6; plus strand). Cytogenetic location: 2p16.3.
Variant type: Duplication.
Coding change: c.2851dup on transcript NM_000179.3 (MANE Select); coding-DNA position 2851, one base duplicated (C; older notation c.2851dupC).
Protein change: p.Leu951fs; shifts the reading frame from leucine 951.
Molecular consequence: frameshift variant. On other transcripts: non-coding transcript variant (5), intron variant (2).
Genome position (GRCh38, 1-based): chr2:47,800,834, C duplicated; the last of 2 consecutive C bases (chr2:47,800,833-47,800,834); duplicating either gives the same sequence. VCF-style (leftmost placement, unchanged base first): chr2-47800832-G-GC. GRCh37 (hg19) VCF-style: chr2-48027971-G-GC.
Other names: c.2461dup, p.Leu821fs (NM_001281492.2); c.1945dup, p.Leu649fs (NM_001281493.2, NM_001281494.2, NM_001406811.1 and 6 more transcripts); c.2947dup, p.Leu983fs (NM_001406795.1, NM_001406802.1); c.2851dup, p.Leu951fs (NM_001406796.1, NM_001406798.1, NM_001406800.1 and 2 more transcripts); c.2554dup, p.Leu852fs (NM_001406797.1, NM_001406801.1, NM_001406805.1 and 10 more transcripts); c.2326dup, p.Leu776fs (NM_001406799.1, NM_001406806.1, NM_001406807.1); c.2773dup, p.Leu925fs (NM_001406804.1); c.2857dup, p.Leu953fs (NM_001406813.1); and 5 more; short protein forms L776fs, L852fs, L895fs, L953fs, L649fs, L925fs, L951fs, L266fs.
Identifiers: ClinVar variation 4658010 (VCV004658010.1).
Genomic context (GRCh38, chr2:47,800,832, plus strand): 5'-AAGCAGGCTTTGACTCTGATTATGACCAAGCTCTTGCTGACATAAGAGAAAATGAACAGA[G>GC]CCTCCTGGAATACCTAGAGAAACAGCGCAACAGAATTGGCTGTAGGACCATAGTCTATTG-3'